The following is an entry in ClinVar:

ClinVar aggregate classification (germline): Benign (1 of 4 stars; one submission).

Allele frequency attached by ClinVar (database versions not stated): gnomAD 0.40261 and 0.40385; TOPMed 0.40804; 1000 Genomes Project 0.45347; 1000 Genomes Project 30x 0.45487.
gnomAD v4.1: 60,990 of 151,486 alleles (40%); highest among the groups gnomAD compares: East Asian, 54%; 12,681 homozygotes.

Submission:

GeneDx
Classification: Benign. Last evaluated: 2018-06-14. Review status: criteria provided, single submitter. Criteria: GeneDx Variant Classification (06012015). Collection method: clinical testing. Allele origin: germline. Affected: yes.
Comment: This variant is considered likely benign or benign based on one or more of the following criteria: it is a conservative change, it occurs at a poorly conserved position in the protein, it is predicted to be benign by multiple in silico algorithms, and/or has population frequency not consistent with disease.

NM_000023.4(SGCA):c.584+229G>A

Gene: SGCA (sarcoglycan alpha; plus strand). Cytogenetic location: 17q21.33.
Variant type: single nucleotide variant.
Coding change: c.584+229G>A on transcript NM_000023.4 (MANE Select); 229 bases into the intron after coding-DNA position 584, G replaced by A.
Molecular consequence: intron variant.
Genome position (GRCh38, 1-based): chr17:50,168,801, G>A. VCF-style: chr17-50168801-G-A. GRCh37 (hg19) VCF-style: chr17-48246162-G-A.
Other names: c.584+229G>A (NM_001135697.3).
Identifiers: ClinVar variation 669841 (VCV000669841.1), dbSNP rs16948744, ClinGen allele CA14487082.